The following is an entry in ClinVar:

ClinVar aggregate classification (germline): Pathogenic (1 of 4 stars; one submission).

Submission:

Labcorp Genetics (formerly Invitae), Labcorp
Classification: Pathogenic. Last evaluated: 2024-02-29. Review status: criteria provided, single submitter. Criteria: Invitae Variant Classification Sherloc (09022015). Collection method: clinical testing. Allele origin: germline.
Comment: This sequence change creates a premature translational stop signal (p.Ser628*) in the SLC12A3 gene. It is expected to result in an absent or disrupted protein product. Loss-of-function variants in SLC12A3 are known to be pathogenic (PMID: 20848653, 22009145, 25841442). This variant is not present in population databases (gnomAD no frequency). This variant has not been reported in the literature in individuals affected with SLC12A3-related conditions. Algorithms developed to predict the effect of sequence changes on RNA splicing suggest that this variant may disrupt the consensus splice site. For these reasons, this variant has been classified as Pathogenic.

Literature cited by the submitters: PubMed 20848653; PubMed 22009145; PubMed 25841442.

NM_001126108.2(SLC12A3):c.1883C>A (p.Ser628Ter)

Gene: SLC12A3 (solute carrier family 12 member 3; plus strand). Cytogenetic location: 16q13.
Variant type: single nucleotide variant.
Coding change: c.1883C>A on transcript NM_001126108.2 (MANE Select); coding-DNA position 1883, C replaced by A.
Protein change: p.Ser628Ter; replaces serine 628 with a stop codon.
Molecular consequence: nonsense.
Genome position (GRCh38, 1-based): chr16:56,885,322, C>A. VCF-style: chr16-56885322-C-A. GRCh37 (hg19) VCF-style: chr16-56919234-C-A.
Other names: c.1883C>A, p.Ser628Ter (NM_000339.3); c.1880C>A, p.Ser627Ter (NM_001126107.2, NM_001410896.1); short protein forms S628*, S627*.
Identifiers: ClinVar variation 3643710 (VCV003643710.2).
Genomic context (GRCh38, chr16:56,885,322, plus strand): 5'-CAGAGGTAAATTGGGGCTCCTCGGTACAGGCTGGCTCCTACAACCTGGCCCTCAGCTACT[C>A]GGTGGGCCTCAATGAGGTGGAAGACCACATCAAGAACTACCGGTGAGCAGAGCTGCTGGG-3'